The following is an entry in ClinVar:

NM_138694.4(PKHD1):c.3121G>A (p.Gly1041Ser)

Gene: PKHD1 (PKHD1 ciliary IPT domain containing fibrocystin/polyductin; minus strand). Cytogenetic location: 6p12.2.
Variant type: single nucleotide variant.
Coding change: c.3121G>A on transcript NM_138694.4 (MANE Select); coding-DNA position 3121, G replaced by A.
Protein change: p.Gly1041Ser; replaces glycine 1041 with serine.
Molecular consequence: missense variant.
Genome position (GRCh38, 1-based): chr6:52,035,698, C>T on the plus strand (G>A on the coding strand, the complement: PKHD1 is on the minus strand). VCF-style: chr6-52035698-C-T. GRCh37 (hg19) VCF-style: chr6-51900496-C-T.
Other names: c.3121G>A, p.Gly1041Ser (NM_170724.3); short protein forms G1041S.
Identifiers: ClinVar variation 4292801 (VCV004292801.1).

ClinVar aggregate classification (germline): Uncertain significance (1 of 4 stars; one submission).

Conditions:
Polycystic kidney disease 4 (PKD4). Also called: POLYCYSTIC KIDNEY AND HEPATIC DISEASE 1; POLYCYSTIC KIDNEY DISEASE, INFANTILE, TYPE I; POLYCYSTIC KIDNEY DISEASE 4 WITH OR WITHOUT POLYCYSTIC LIVER DISEASE; PKD3; Autosomal Recessive Polycystic Kidney Disease – PKHD1. Identifiers: MedGen C4540575, MONDO:0033004, OMIM 263200.

gnomAD v4.1: 1 of 1,613,910 alleles (0.000062%); highest among the groups gnomAD compares: East Asian, 0.0022%; no homozygotes.

Submission:

3billion
Classification: Uncertain significance for Polycystic kidney disease 4. Last evaluated: 2024-07-25. Review status: criteria provided, single submitter. Criteria: ACMG Guidelines, 2015. Collection method: clinical testing. Allele origin: germline. Affected: yes.
Comment: The variant is observed at an extremely low frequency in the gnomAD v4.0.0 dataset (total allele frequency: <0.001%). Predicted Consequence/Location: Missense variant In silico tool predictions suggest damaging effect of the variant on gene or gene product [REVEL: 0.83 (>=0.6, sensitivity 0.68 and specificity 0.92)]. Therefore, this variant is classified as VUS according to the recommendation of ACMG/AMP guideline.